The following is an entry in ClinVar:

NM_004336.5(BUB1):c.451C>A (p.His151Asn)

Gene: BUB1 (BUB1 mitotic checkpoint serine/threonine kinase; minus strand). Cytogenetic location: 2q13.
Variant type: single nucleotide variant.
Coding change: c.451C>A on transcript NM_004336.5 (MANE Select); coding-DNA position 451, C replaced by A.
Protein change: p.His151Asn; replaces histidine 151 with asparagine.
Molecular consequence: missense variant.
Genome position (GRCh38, 1-based): chr2:110,670,540, G>T on the plus strand (C>A on the coding strand, the complement: BUB1 is on the minus strand). VCF-style: chr2-110670540-G-T. GRCh37 (hg19) VCF-style: chr2-111428117-G-T.
Other names: c.391C>A, p.His131Asn (NM_001278616.2); c.451C>A, p.His151Asn (NM_001278617.2); short protein forms H151N, H131N.
Identifiers: ClinVar variation 2562172 (VCV002562172.2), dbSNP rs2468032758, ClinGen allele CA348219532.
Genomic context (GRCh38, chr2:110,670,540, plus strand): 5'-AGACTAAATGGACAACAACAGGCATTTTAGAAAGCCTGATTTTACCTTGAGCTGGCAAAT[G>T]GGTTTCAGTGAGGCGTGTCTGAAATAACCTAAATGACAGCAGAAAAGGCATCAATGTAGA-3'
Protein context (NP_004327.1, residues 141-161): RLFQTRLTET[His151Asn]LPAQARTSEP

ClinVar aggregate classification (germline): Uncertain significance (1 of 4 stars; one submission).

Submission:

Ambry Genetics
Classification: Uncertain significance. Last evaluated: 2023-04-01. Review status: criteria provided, single submitter. Criteria: Ambry Variant Classification Scheme 2023. Collection method: clinical testing. Allele origin: germline.
Comment: The p.H151N variant (also known as c.451C>A), located in coding exon 5 of the BUB1 gene, results from a C to A substitution at nucleotide position 451. The histidine at codon 151 is replaced by asparagine, an amino acid with similar properties. This amino acid position is conserved. In addition, this alteration is predicted to be tolerated by in silico analysis. Since supporting evidence is limited at this time, the clinical significance of this alteration remains unclear.